The following is an entry in ClinVar:

ClinVar aggregate classification (germline): Uncertain significance. Review status: criteria provided, multiple submitters, no conflicts (2 of 4 stars). 3 submissions from 3 submitters: Uncertain significance (3). Last evaluated 2023-05-12.

Conditions:
Cardiovascular phenotype. Identifiers: MedGen CN230736.
Brugada syndrome. Also called: Sudden unexpected nocturnal death syndrome; Sudden unexplained nocturnal death syndrome; Sudden Unexplained Death Syndrome; Sudden Unexplained Nocturnal Death Syndrome (SUNDS). Identifiers: Orphanet 130, MedGen C1142166, MONDO:0015263.

Allele frequency attached by ClinVar (database versions not stated): gnomAD exomes below 0.00001; gnomAD 0.00001; TOPMed 0.00001.
gnomAD v4.1: 4 of 1,613,842 alleles (0.00025%); highest among the groups gnomAD compares: Non-Finnish European, 0.00025%; no homozygotes.

Submissions (3):

GeneDx
Classification: Uncertain significance. Last evaluated: 2023-05-12. Review status: criteria provided, single submitter. Criteria: GeneDx Variant Classification Process June 2021. Collection method: clinical testing. Allele origin: germline. Affected: yes.
Comment: Not observed at significant frequency in large population cohorts (gnomAD); In silico analysis supports that this missense variant has a deleterious effect on protein structure/function; Has not been previously published as pathogenic or benign to our knowledge

Ambry Genetics
Classification: Uncertain significance for Cardiovascular phenotype. Last evaluated: 2023-04-28. Review status: criteria provided, single submitter. Criteria: Ambry Variant Classification Scheme 2023. Collection method: clinical testing. Allele origin: germline.
Comment: Does not currently meet published gene-disease clinical validity criteria Based on insufficient or conflicting evidence, the clinical significance of this alteration remains unclear.

Labcorp Genetics (formerly Invitae), Labcorp
Classification: Uncertain significance for Brugada syndrome. Last evaluated: 2018-08-20. Review status: criteria provided, single submitter. Criteria: Invitae Variant Classification Sherloc (09022015). Collection method: clinical testing. Allele origin: germline.
Comment: In summary, the available evidence is currently insufficient to determine the role of this variant in disease. Therefore, it has been classified as a Variant of Uncertain Significance. This sequence change replaces cysteine with serine at codon 1125 of the SCN10A protein (p.Cys1125Ser). The cysteine residue is moderately conserved and there is a moderate physicochemical difference between cysteine and serine. This variant is not present in population databases (ExAC no frequency). This variant has not been reported in the literature in individuals with SCN10A-related disease. Algorithms developed to predict the effect of missense changes on protein structure and function are either unavailable or do not agree on the potential impact of this missense change (SIFT: "Deleterious"; PolyPhen-2: "Probably Damaging"; Align-GVGD: "Class C0").

Literature cited by the submitters: PubMed 28106320 (cited by Ambry Genetics).

NM_006514.4(SCN10A):c.3374G>C (p.Cys1125Ser)

Genes: SCN10A (sodium voltage-gated channel alpha subunit 10; minus strand), LOC110121288 (VISTA enhancer hs2268; plus strand). Cytogenetic location: 3p22.2.
Variant type: single nucleotide variant.
Coding change: c.3374G>C on transcript NM_006514.4 (MANE Select); coding-DNA position 3374, G replaced by C.
Protein change: p.Cys1125Ser; replaces cysteine 1125 with serine.
Molecular consequence: missense variant.
Genome position (GRCh38, 1-based): chr3:38,722,391, C>G on the plus strand (G>C on the coding strand, the complement: SCN10A is on the minus strand). VCF-style: chr3-38722391-C-G. GRCh37 (hg19) VCF-style: chr3-38763882-C-G.
Other names: c.3371G>C, p.Cys1124Ser (NM_001293306.2); c.3080G>C, p.Cys1027Ser (NM_001293307.2); short protein forms C1125S, C1124S, C1027S.
Identifiers: ClinVar variation 641299 (VCV000641299.8), dbSNP rs1481868189, ClinGen allele CA352155738.